The following is an entry in ClinVar:

ClinVar aggregate classification (germline): Uncertain significance. Review status: criteria provided, multiple submitters, no conflicts (2 of 4 stars). 2 submissions from 2 submitters: Uncertain significance (2). Last evaluated 2024-05-13.

gnomAD v4.1: 12 of 1,614,032 alleles (0.00074%); highest among the groups gnomAD compares: East Asian, 0.0022%; no homozygotes.

Submissions (2):

GeneDx
Classification: Uncertain significance. Last evaluated: 2024-05-13. Review status: criteria provided, single submitter. Criteria: GeneDx Variant Classification Process June 2021. Collection method: clinical testing. Allele origin: germline. Affected: yes.
Comment: Not observed at significant frequency in large population cohorts (gnomAD); Nonsense variant predicted to result in protein truncation or nonsense mediated decay in a gene or region of a gene for which loss of function is not a well-established mechanism of disease; Has not been previously published as pathogenic or benign to our knowledge

Blueprint Genetics
Classification: Uncertain significance. Last evaluated: 2022-08-17. Review status: criteria provided, single submitter. Criteria: ACMG Guidelines, 2015. Collection method: clinical testing. Allele origin: germline.

NM_001365677.2(P4HA2):c.1315C>T (p.Arg439Ter)

Gene: P4HA2 (prolyl 4-hydroxylase subunit alpha 2; minus strand). Cytogenetic location: 5q31.1.
Variant type: single nucleotide variant.
Coding change: c.1315C>T on transcript NM_001365677.2 (MANE Plus Clinical); coding-DNA position 1315, C replaced by T.
Protein change: p.Arg439Ter; replaces arginine 439 with a stop codon.
Molecular consequence: nonsense. On other transcripts: intron variant (6).
Genome position (GRCh38, 1-based): chr5:132,198,262, G>A on the plus strand (C>T on the coding strand, the complement: P4HA2 is on the minus strand). VCF-style: chr5-132198262-G-A. GRCh37 (hg19) VCF-style: chr5-131533955-G-A.
Other names: c.1315C>T, p.Arg439Ter (NM_001142599.2, NM_004199.3); c.1188+59C>T (NM_001365681.2); c.1365+59C>T (NM_001017974.2, NM_001142598.2, NM_001365680.2 and 2 more transcripts); short protein forms R439*.
Identifiers: ClinVar variation 3378135 (VCV003378135.2).